The following is an entry in ClinVar:

ClinVar aggregate classification (germline): Benign/Likely benign. Review status: criteria provided, multiple submitters, no conflicts (2 of 4 stars). 10 submissions from 10 submitters: Benign (4); Likely benign (3). 3 of the submissions do not count toward it. Last evaluated 2026-02-01.

Conditions:
Connective tissue disorder. Also called: Connective tissue disease. Identifiers: MedGen C0009782, MONDO:0003900.
Camptomelic dysplasia (CMPD). Also called: CMPD1/SRA1; Campomelic Dysplasia. Identifiers: Orphanet 140, MedGen C1861922, MONDO:0007251, OMIM 114290.

Allele frequency attached by ClinVar (database versions not stated): gnomAD exomes 0.00220 and 0.00420; ExAC 0.00393; gnomAD 0.00242 and 0.00205; TOPMed 0.00248; 1000 Genomes Project 30x 0.00999; ESP Exome Variant Server 0.00162; 1000 Genomes Project 0.00899.
gnomAD v4.1: 3,704 of 1,611,776 alleles (0.23%); highest among the groups gnomAD compares: East Asian, 1.9%; 29 homozygotes.

Submissions (10):

Labcorp Genetics (formerly Invitae), Labcorp
Classification: Benign for Camptomelic dysplasia. Last evaluated: 2026-02-01. Review status: criteria provided, single submitter. Criteria: Invitae Variant Classification Sherloc (09022015). Collection method: clinical testing. Allele origin: germline.

Dasa
Classification: Benign. Last evaluated: 2025-12-16. Review status: criteria provided, single submitter. Criteria: DASA Assertion Criteria. Collection method: clinical testing. Allele origin: germline.
Comment: NM_000346.4(SOX9):c.685+8G>A is interpreted as benign based on a combination of available evidence, which may include population frequency, observations in unaffected individuals, intact protein function, lack of segregation with disease, in silico models, amino acid conservation, lack of disease association in case-control studies, and/or inconsistency with the known disease mechanism or impacted region. Based on the available data, this variant is classified as benign.

ARUP Laboratories, Molecular Genetics and Genomics, ARUP Laboratories
Classification: Benign. Last evaluated: 2023-11-03. Review status: criteria provided, single submitter. Criteria: ARUP Molecular Germline Variant Investigation Process 2024. Collection method: clinical testing. Allele origin: germline.

Fulgent Genetics
Classification: Likely benign for Camptomelic dysplasia. Last evaluated: 2021-08-30. Review status: criteria provided, single submitter. Criteria: ACMG Guidelines, 2015. Collection method: clinical testing. Allele origin: unknown.

Genome Diagnostics Laboratory, The Hospital for Sick Children
Classification: Likely benign for Connective tissue disorder. Last evaluated: 2019-12-01. Review status: criteria provided, single submitter. Criteria: ACMG Guidelines, 2015. Collection method: clinical testing. Allele origin: germline.

GeneDx
Classification: Benign. Last evaluated: 2018-10-16. Review status: criteria provided, single submitter. Criteria: GeneDx Variant Classification Process June 2021. Collection method: clinical testing. Allele origin: germline. Affected: yes.

Eurofins Ntd Llc (ga)
Classification: Likely benign. Last evaluated: 2014-12-18. Review status: criteria provided, single submitter. Criteria: EGL Classification Definitions 2015. Collection method: clinical testing. Allele origin: germline. Observed: 1 variant allele, 1 heterozygote.

Clinical Genetics DNA and cytogenetics Diagnostics Lab, Erasmus MC, Erasmus Medical Center
Classification: Benign. Review status: no assertion criteria provided. Collection method: clinical testing. Allele origin: germline. Affected: yes. Study: VKGL Data-share Consensus. Not counted in ClinVar's aggregate classification.

Genome Diagnostics Laboratory, University Medical Center Utrecht
Classification: Likely benign. Review status: no assertion criteria provided. Collection method: clinical testing. Allele origin: germline. Affected: yes. Study: VKGL Data-share Consensus. Not counted in ClinVar's aggregate classification.

Laboratory of Diagnostic Genome Analysis, Leiden University Medical Center (LUMC)
Classification: Likely benign. Review status: no assertion criteria provided. Collection method: clinical testing. Allele origin: germline. Affected: yes. Study: VKGL Data-share Consensus. Not counted in ClinVar's aggregate classification.

NM_000346.4(SOX9):c.685+8G>A

Gene: SOX9 (SRY-box transcription factor 9; plus strand). Cytogenetic location: 17q24.3.
Variant type: single nucleotide variant.
Coding change: c.685+8G>A on transcript NM_000346.4 (MANE Select); 8 bases into the intron after coding-DNA position 685, G replaced by A.
Molecular consequence: intron variant.
Genome position (GRCh38, 1-based): chr17:72,122,980, G>A. VCF-style: chr17-72122980-G-A. GRCh37 (hg19) VCF-style: chr17-70119121-G-A.
Identifiers: ClinVar variation 195069 (VCV000195069.34), dbSNP rs117696751, ClinGen allele CA201533.